The following is an entry in ClinVar:

ClinVar aggregate classification (germline): Uncertain significance (1 of 4 stars; one submission).

Conditions:
Duchenne muscular dystrophy (DMD). Also called: MUSCULAR DYSTROPHY, PSEUDOHYPERTROPHIC PROGRESSIVE, DUCHENNE TYPE; Duchenne Muscular Dystrophy (DMD). Identifiers: Orphanet 98896, MedGen C0013264, MONDO:0010679, OMIM 310200.

Submission:

Labcorp Genetics (formerly Invitae), Labcorp
Classification: Uncertain significance for Duchenne muscular dystrophy. Last evaluated: 2025-02-05. Review status: criteria provided, single submitter. Criteria: Invitae Variant Classification Sherloc (09022015). Collection method: clinical testing. Allele origin: germline.
Comment: This sequence change replaces valine, which is neutral and non-polar, with alanine, which is neutral and non-polar, at codon 1497 of the DMD protein (p.Val1497Ala). This variant is not present in population databases (gnomAD no frequency). This variant has not been reported in the literature in individuals affected with DMD-related conditions. Invitae Evidence Modeling of protein sequence and biophysical properties (such as structural, functional, and spatial information, amino acid conservation, physicochemical variation, residue mobility, and thermodynamic stability) indicates that this missense variant is not expected to disrupt DMD protein function with a negative predictive value of 95%. In summary, the available evidence is currently insufficient to determine the role of this variant in disease. Therefore, it has been classified as a Variant of Uncertain Significance.

NM_004006.3(DMD):c.4490T>C (p.Val1497Ala)

Gene: DMD (dystrophin; minus strand). Cytogenetic location: Xp21.1.
Variant type: single nucleotide variant.
Coding change: c.4490T>C on transcript NM_004006.3 (MANE Select); coding-DNA position 4490, T replaced by C.
Protein change: p.Val1497Ala; replaces valine 1497 with alanine.
Molecular consequence: missense variant.
Genome position (GRCh38, 1-based): chrX:32,389,529, A>G on the plus strand (T>C on the coding strand, the complement: DMD is on the minus strand). VCF-style: chrX-32389529-A-G. GRCh37 (hg19) VCF-style: chrX-32407646-A-G.
Other names: c.4466T>C, p.Val1489Ala (NM_000109.4); c.4478T>C, p.Val1493Ala (NM_004009.3); c.4121T>C, p.Val1374Ala (NM_004010.3); c.467T>C, p.Val156Ala (NM_004011.4); c.458T>C, p.Val153Ala (NM_004012.4); short protein forms V1489A, V1374A, V156A, V1493A, V153A, V1497A.
Identifiers: ClinVar variation 3682608 (VCV003682608.2).